The following is an entry in ClinVar:

ClinVar aggregate classification (germline): Uncertain significance (1 of 4 stars; one submission).

Allele frequency attached by ClinVar (database versions not stated): ExAC 0.00001; gnomAD 0.00001; TOPMed 0.00001; ESP Exome Variant Server 0.00008.

Submission:

Ambry Genetics
Classification: Uncertain significance. Last evaluated: 2024-09-25. Review status: criteria provided, single submitter. Criteria: Ambry Variant Classification Scheme 2023. Collection method: clinical testing. Allele origin: germline.
Comment: The p.T566I variant (also known as c.1697C>T), located in coding exon 13 of the RECQL gene, results from a C to T substitution at nucleotide position 1697. The threonine at codon 566 is replaced by isoleucine, an amino acid with similar properties. This amino acid position is conserved. In addition, the in silico prediction for this alteration is inconclusive. Since supporting evidence is limited at this time, the clinical significance of this alteration remains unclear.

NM_002907.4(RECQL):c.1697C>T (p.Thr566Ile)

Genes: PYROXD1 (pyridine nucleotide-disulphide oxidoreductase domain 1; plus strand), RECQL (RecQ like helicase; minus strand). Cytogenetic location: 12p12.1.
Variant type: single nucleotide variant.
Coding change: c.1697C>T on transcript NM_002907.4 (MANE Select); coding-DNA position 1697, C replaced by T.
Protein change: p.Thr566Ile; replaces threonine 566 with isoleucine.
Molecular consequence: missense variant. On other transcripts: 3 prime UTR variant (3).
Genome position (GRCh38, 1-based): chr12:21,471,069, G>A on the plus strand (C>T on the coding strand, the complement: RECQL is on the minus strand). VCF-style: chr12-21471069-G-A. GRCh37 (hg19) VCF-style: chr12-21624003-G-A.
Other names: c.1697C>T, p.Thr566Ile (NM_032941.3); c.*2315G>A (NM_001350912.2, NM_001350913.2, NM_024854.5); short protein forms T566I.
Identifiers: ClinVar variation 1778251 (VCV001778251.3), dbSNP rs367875234, ClinGen allele CA6478672.
Genomic context (GRCh38, chr12:21,471,069, plus strand): 5'-ATAGCATGTGCCTCATTGTTCAGAAGATTAGCTTTAGGTCCTATTTTCAAATACGAAATG[G>A]TAGCATAAGCTGTAAAACTGTAGTCTTCTCTGCAGAAAATAAAGGCCAACAATAAGAAAG-3'
Protein context (NP_002898.2, residues 556-576): KEDYSFTAYA[Thr566Ile]ISYLKIGPKA